The following is an entry in ClinVar:

ClinVar aggregate classification (germline): Benign. Review status: criteria provided, multiple submitters, no conflicts (2 of 4 stars). 3 submissions from 3 submitters: Benign (3). Last evaluated 2023-11-12.

Allele frequency attached by ClinVar (database versions not stated): 1000 Genomes Project 30x 0.58682; 1000 Genomes Project 0.59545; TOPMed 0.68097; gnomAD 0.69833 and 0.70208; gnomAD exomes 0.84251.
gnomAD v4.1: 792,724 of 967,254 alleles (82%); highest among the groups gnomAD compares: Non-Finnish European, 90%; 337,088 homozygotes.

Submissions (4):

Unidad de Genómica Garrahan, Hospital de Pediatría Garrahan
Classification: Benign. Last evaluated: 2023-11-12. Review status: criteria provided, single submitter. Criteria: ACMG Guidelines, 2015. Collection method: clinical testing. Allele origin: germline. Affected: no. Observed: 80 variant alleles.
Comment: This variant is classified as Benign based on local population frequency. This variant was detected in 83% of patients studied by a panel of primary immunodeficiencies. Number of patients: 80. Only high quality variants are reported.

GeneDx
Classification: Benign. Last evaluated: 2018-11-12. Review status: criteria provided, single submitter. Criteria: GeneDx Variant Classification Process June 2021. Collection method: clinical testing. Allele origin: germline. Affected: yes.

Breakthrough Genomics
Classification: Benign. Review status: criteria provided, single submitter. Criteria: ACMG Guidelines, 2015. Collection method: not provided. Allele origin: germline. Inheritance: Autosomal recessive inheritance. Affected: yes.

Dr. Peter K. Rogan Lab, Western University
No classification provided (evidence only). Condition: Familial cancer of breast. Review status: no classification provided. Collection method: in vitro. Allele origin: not applicable. Functional consequence: retained intron. Not counted in ClinVar's aggregate classification.

NM_001364905.1(LRBA):c.5646-71G>A

Gene: LRBA (LPS responsive beige-like anchor protein; minus strand). Cytogenetic location: 4q31.3.
Variant type: single nucleotide variant.
Coding change: c.5646-71G>A on transcript NM_001364905.1 (MANE Select); 71 bases into the intron before coding-DNA position 5646, G replaced by A.
Molecular consequence: intron variant.
Genome position (GRCh38, 1-based): chr4:150,735,437, C>T on the plus strand (G>A on the coding strand, the complement: LRBA is on the minus strand). VCF-style: chr4-150735437-C-T. GRCh37 (hg19) VCF-style: chr4-151656589-C-T.
Other names: NC_000004.11:g.151656589C>T; c.5646-71G>A (NM_001367550.1, NM_006726.5, NM_001199282.3 and 2 more transcripts).
Identifiers: ClinVar variation 1231266 (VCV001231266.7), dbSNP rs1993109, ClinGen allele CA108407538.
Genomic context (GRCh38, chr4:150,735,437, plus strand): 5'-TGAATGTTATCAAATAAATATATGTATACACACACAACATAAATGATTATTCACTGCTTA[C>T]GGTGGAGAGGAAGGAATACTTACTTTCTTCTTTTGACATCATACACAATGAGGTACCATT-3'